The following is an entry in ClinVar:

ClinVar aggregate classification (germline): Uncertain significance (1 of 4 stars; one submission).

Submission:

Labcorp Genetics (formerly Invitae), Labcorp
Classification: Uncertain significance. Last evaluated: 2024-02-07. Review status: criteria provided, single submitter. Criteria: Invitae Variant Classification Sherloc (09022015). Collection method: clinical testing. Allele origin: germline.
Comment: This sequence change falls in intron 41 of the COL2A1 gene. It does not directly change the encoded amino acid sequence of the COL2A1 protein. It affects a nucleotide within the consensus splice site. This variant is not present in population databases (gnomAD no frequency). This variant has not been reported in the literature in individuals affected with COL2A1-related conditions. Variants that disrupt the consensus splice site are a relatively common cause of aberrant splicing (PMID: 17576681, 9536098). Algorithms developed to predict the effect of sequence changes on RNA splicing suggest that this variant is not likely to affect RNA splicing. In summary, the available evidence is currently insufficient to determine the role of this variant in disease. Therefore, it has been classified as a Variant of Uncertain Significance.

Literature cited by the submitters: PubMed 17576681; PubMed 9536098.

NM_001844.5(COL2A1):c.2734-3T>C

Gene: COL2A1 (collagen type II alpha 1 chain; minus strand). Cytogenetic location: 12q13.11.
Variant type: single nucleotide variant.
Coding change: c.2734-3T>C on transcript NM_001844.5 (MANE Select); 3 bases into the intron before coding-DNA position 2734, T replaced by C.
Molecular consequence: intron variant.
Genome position (GRCh38, 1-based): chr12:47,978,761, A>G on the plus strand (T>C on the coding strand, the complement: COL2A1 is on the minus strand). VCF-style: chr12-47978761-A-G. GRCh37 (hg19) VCF-style: chr12-48372544-A-G.
Other names: c.2527-3T>C (NM_033150.3).
Identifiers: ClinVar variation 3639529 (VCV003639529.2).